The following is an entry in ClinVar:

ClinVar aggregate classification (germline): Uncertain significance. Review status: criteria provided, single submitter (1 of 4 stars). 2 submissions from 2 submitters: Uncertain significance (1). 1 of the submissions does not count toward it. Last evaluated 2022-09-01.

Conditions:
SLC3A1-related disorder. Also called: SLC3A1-related condition.
Cystinuria (CSNU). Also called: Cystinuria, non-type I; CYSTINURIA, TYPE I; CYSTINURIA, TYPE II; CYSTINURIA, TYPE III. Identifiers: Orphanet 214, MedGen C0010691, MONDO:0009067, OMIM 220100, HP:0003131.

gnomAD v4.1: 3 of 1,613,792 alleles (0.00019%); highest among the groups gnomAD compares: African/African-American, 0.0013%; no homozygotes.

Submissions (2):

Labcorp Genetics (formerly Invitae), Labcorp
Classification: Uncertain significance for Cystinuria. Last evaluated: 2022-09-01. Review status: criteria provided, single submitter. Criteria: Invitae Variant Classification Sherloc (09022015). Collection method: clinical testing. Allele origin: germline.
Comment: In summary, the available evidence is currently insufficient to determine the role of this variant in disease. Therefore, it has been classified as a Variant of Uncertain Significance. Algorithms developed to predict the effect of missense changes on protein structure and function are either unavailable or do not agree on the potential impact of this missense change (SIFT: "Deleterious"; PolyPhen-2: "Probably Damaging"; Align-GVGD: "Class C15"). This variant has not been reported in the literature in individuals affected with SLC3A1-related conditions. This variant is present in population databases (no rsID available, gnomAD 0.01%). This sequence change replaces serine, which is neutral and polar, with tryptophan, which is neutral and slightly polar, at codon 455 of the SLC3A1 protein (p.Ser455Trp).

PreventionGenetics, part of Exact Sciences
Classification: Uncertain significance for SLC3A1-related condition. Last evaluated: 2024-01-19. Review status: no assertion criteria provided. Collection method: clinical testing. Allele origin: germline. Not counted in ClinVar's aggregate classification.
Comment: The SLC3A1 c.1364C>G variant is predicted to result in the amino acid substitution p.Ser455Trp. To our knowledge, this variant has not been reported in the literature. A different variant at this same amino acid position (p.Ser455Leu) has been reported in patients with cystinuria (Font-Llitjos et al. 2005. PubMed ID: 15635077). This variant is reported in 0.011% of alleles in individuals of African descent in gnomAD. Although we suspect this variant may be pathogenic, at this time, the clinical significance of this variant is uncertain due to the absence of conclusive functional and genetic evidence.

NM_000341.4(SLC3A1):c.1364C>G (p.Ser455Trp)

Gene: SLC3A1 (solute carrier family 3 member 1; plus strand). Cytogenetic location: 2p21.
Variant type: single nucleotide variant.
Coding change: c.1364C>G on transcript NM_000341.4 (MANE Select); coding-DNA position 1364, C replaced by G.
Protein change: p.Ser455Trp; replaces serine 455 with tryptophan.
Molecular consequence: missense variant.
Genome position (GRCh38, 1-based): chr2:44,312,617, C>G. VCF-style: chr2-44312617-C-G. GRCh37 (hg19) VCF-style: chr2-44539756-C-G.
Other names: c.1364C>G (NM_000341.3); short protein forms S455W.
Identifiers: ClinVar variation 1897757 (VCV001897757.8), dbSNP rs949704245, ClinGen allele CA46512289.